The following is an entry in ClinVar:

NM_001040142.2(SCN2A):c.5452C>T (p.Leu1818Phe)

Gene: SCN2A (sodium voltage-gated channel alpha subunit 2; plus strand). Cytogenetic location: 2q24.3.
Variant type: single nucleotide variant.
Coding change: c.5452C>T on transcript NM_001040142.2 (MANE Select); coding-DNA position 5452, C replaced by T.
Protein change: p.Leu1818Phe; replaces leucine 1818 with phenylalanine.
Molecular consequence: missense variant.
Genome position (GRCh38, 1-based): chr2:165,389,258, C>T. VCF-style: chr2-165389258-C-T. GRCh37 (hg19) VCF-style: chr2-166245768-C-T.
Other names: c.5452C>T, p.Leu1818Phe (NM_001040143.2, NM_001371246.1, NM_001371247.1 and 1 more transcripts); short protein forms L1818F.
Identifiers: ClinVar variation 3906671 (VCV003906671.1).
Genomic context (GRCh38, chr2:165,389,258, plus strand): 5'-TTCTATGAGGTTTGGGAGAAGTTTGATCCCGATGCGACCCAGTTTATAGAGTTTGCCAAA[C>T]TTTCTGATTTTGCAGATGCCCTGGATCCTCCTCTTCTCATAGCAAAACCCAACAAAGTCC-3'
Protein context (NP_001035232.1, residues 1808-1828): DATQFIEFAK[Leu1818Phe]SDFADALDPP

ClinVar aggregate classification (germline): Uncertain significance (1 of 4 stars; one submission).

Submission:

GeneDx
Classification: Uncertain significance. Last evaluated: 2024-12-23. Review status: criteria provided, single submitter. Criteria: GeneDx Variant Classification Process June 2021. Collection method: clinical testing. Allele origin: germline. Affected: yes.
Comment: Not observed at significant frequency in large population cohorts (gnomAD); In silico analysis supports that this missense variant has a deleterious effect on protein structure/function; Has not been previously published as pathogenic or benign to our knowledge; This substitution is predicted to be within the C-terminal cytoplasmic domain